The following is an entry in ClinVar:

NM_001366122.1(KCP):c.2693G>C (p.Cys898Ser)

Gene: KCP (kielin cysteine rich BMP regulator; minus strand). Cytogenetic location: 7q32.1.
Variant type: single nucleotide variant.
Coding change: c.2693G>C on transcript NM_001366122.1 (MANE Select); coding-DNA position 2693, G replaced by C.
Protein change: p.Cys898Ser; replaces cysteine 898 with serine.
Molecular consequence: missense variant.
Genome position (GRCh38, 1-based): chr7:128,886,734, C>G on the plus strand (G>C on the coding strand, the complement: KCP is on the minus strand). VCF-style: chr7-128886734-C-G. GRCh37 (hg19) VCF-style: chr7-128526788-C-G.
Other names: short protein forms C898S.
Identifiers: ClinVar variation 5038542 (VCV005038542.1).

ClinVar aggregate classification (germline): Likely benign (1 of 4 stars; one submission).

gnomAD v4.1: 9,950 of 1,551,542 alleles (0.64%); highest among the groups gnomAD compares: Non-Finnish European, 0.68%; 53 homozygotes.

Submission:

CeGaT Center for Human Genetics Tuebingen
Classification: Likely benign. Last evaluated: 2026-07-01. Review status: criteria provided, single submitter. Criteria: CeGaT Center For Human Genetics Tuebingen Variant Classification Criteria Version 2. Collection method: clinical testing. Allele origin: germline. Affected: yes. Observed: 1 variant allele.
Comment: KCP: BS2